The following is an entry in ClinVar:

ClinVar aggregate classification (germline): Uncertain significance (1 of 4 stars; one submission).

Allele frequency attached by ClinVar (database versions not stated): gnomAD exomes below 0.00001; ExAC 0.00001; TOPMed 0.00001; gnomAD 0.00002.
gnomAD v4.1: 3 of 1,613,984 alleles (0.00019%); highest among the groups gnomAD compares: African/African-American, 0.0013%; no homozygotes.

Submission:

GeneDx
Classification: Uncertain significance. Last evaluated: 2019-10-29. Review status: criteria provided, single submitter. Criteria: GeneDx Variant Classification Process June 2021. Collection method: clinical testing. Allele origin: germline. Affected: yes.
Comment: In silico analysis, which includes protein predictors and evolutionary conservation, supports a deleterious effect; Has not been previously published as pathogenic or benign to our knowledge

NM_017433.5(MYO3A):c.2023A>G (p.Arg675Gly)

Gene: MYO3A (myosin IIIA; plus strand). Cytogenetic location: 10p12.1.
Variant type: single nucleotide variant.
Coding change: c.2023A>G on transcript NM_017433.5 (MANE Select); coding-DNA position 2023, A replaced by G.
Protein change: p.Arg675Gly; replaces arginine 675 with glycine.
Molecular consequence: missense variant.
Genome position (GRCh38, 1-based): chr10:26,125,517, A>G. VCF-style: chr10-26125517-A-G. GRCh37 (hg19) VCF-style: chr10-26414446-A-G.
Other names: short protein forms R675G.
Identifiers: ClinVar variation 1309733 (VCV001309733.2), dbSNP rs776878976, ClinGen allele CA5444847.
Genomic context (GRCh38, chr10:26,125,517, plus strand): 5'-GTGGTCACTAGAGGAGAAACAATTATACGACCCAATACTGTAGAAAAAGCTACCGATGTC[A>G]GGGATGCCATGGCTAAAACTTTATATGGACGTCTCTTTAGTTGGATAGTCAATTGCATTA-3'
Protein context (NP_059129.3, residues 665-685): PNTVEKATDV[Arg675Gly]DAMAKTLYGR